The following is an entry in ClinVar:

ClinVar aggregate classification (germline): Uncertain significance (1 of 4 stars; one submission).

Conditions:
Mucopolysaccharidosis, MPS-II (MPS2). Also called: IDS deficiency; Sulfoiduronate sulfatase deficiency; SIDS deficiency; Mucopolysaccharidosis with skin involvement; Mucopolysaccharidosis type 2; Attenuated MPS (subtype; formerly known as mild MPS II). Identifiers: Orphanet 580, Orphanet 79388, MedGen C0026705, MONDO:0010674, OMIM 309900.

Submission:

Labcorp Genetics (formerly Invitae), Labcorp
Classification: Uncertain significance for Mucopolysaccharidosis, MPS-II. Last evaluated: 2022-09-06. Review status: criteria provided, single submitter. Criteria: Invitae Variant Classification Sherloc (09022015). Collection method: clinical testing. Allele origin: germline.
Comment: This sequence change replaces proline, which is neutral and non-polar, with threonine, which is neutral and polar, at codon 383 of the IDS protein (p.Pro383Thr). This variant is not present in population databases (gnomAD no frequency). This variant has not been reported in the literature in individuals affected with IDS-related conditions. ClinVar contains an entry for this variant (Variation ID: 1445704). Algorithms developed to predict the effect of missense changes on protein structure and function are either unavailable or do not agree on the potential impact of this missense change (SIFT: "Tolerated"; PolyPhen-2: "Possibly Damaging"; Align-GVGD: "Class C0"). In summary, the available evidence is currently insufficient to determine the role of this variant in disease. Therefore, it has been classified as a Variant of Uncertain Significance.

NM_000202.8(IDS):c.1147C>A (p.Pro383Thr)

Genes: IDS (iduronate 2-sulfatase; minus strand), LOC106050102 (IDS recombination region; plus strand). Cytogenetic location: Xq28.
Variant type: single nucleotide variant.
Coding change: c.1147C>A on transcript NM_000202.8 (MANE Select); coding-DNA position 1147, C replaced by A.
Protein change: p.Pro383Thr; replaces proline 383 with threonine.
Molecular consequence: missense variant.
Genome position (GRCh38, 1-based): chrX:149,486,958, G>T on the plus strand (C>A on the coding strand, the complement: IDS is on the minus strand). VCF-style: chrX-149486958-G-T. GRCh37 (hg19) VCF-style: chrX-148568489-G-T.
Other names: c.877C>A, p.Pro293Thr (NM_001166550.4); short protein forms P293T, P383T.
Identifiers: ClinVar variation 1445704 (VCV001445704.3), dbSNP rs2089341258, ClinGen allele CA414518737.